The following is an entry in ClinVar:

NM_001365999.1(SZT2):c.5995C>T (p.Pro1999Ser)

Gene: SZT2 (SZT2 subunit of KICSTOR complex; plus strand). Cytogenetic location: 1p34.2.
Variant type: single nucleotide variant.
Coding change: c.5995C>T on transcript NM_001365999.1 (MANE Select); coding-DNA position 5995, C replaced by T.
Protein change: p.Pro1999Ser; replaces proline 1999 with serine.
Molecular consequence: missense variant.
Genome position (GRCh38, 1-based): chr1:43,435,290, C>T. VCF-style: chr1-43435290-C-T. GRCh37 (hg19) VCF-style: chr1-43900961-C-T.
Other names: c.5824C>T, p.Pro1942Ser (NM_015284.4); short protein forms P1942S, P1999S.
Identifiers: ClinVar variation 938666 (VCV000938666.7), dbSNP rs908327069, ClinGen allele CA340027568.

ClinVar aggregate classification (germline): Uncertain significance (1 of 4 stars; one submission).

gnomAD v4.1: 1 of 1,614,230 alleles (0.000062%); highest among the groups gnomAD compares: Admixed American, 0.0017%; no homozygotes.

Submission:

Labcorp Genetics (formerly Invitae), Labcorp
Classification: Uncertain significance. Last evaluated: 2022-05-17. Review status: criteria provided, single submitter. Criteria: Invitae Variant Classification Sherloc (09022015). Collection method: clinical testing. Allele origin: germline.
Comment: This sequence change replaces proline, which is neutral and non-polar, with serine, which is neutral and polar, at codon 1942 of the SZT2 protein (p.Pro1942Ser). This variant is not present in population databases (gnomAD no frequency). This variant has not been reported in the literature in individuals affected with SZT2-related conditions. ClinVar contains an entry for this variant (Variation ID: 938666). Algorithms developed to predict the effect of missense changes on protein structure and function (SIFT, PolyPhen-2, Align-GVGD) all suggest that this variant is likely to be tolerated. In summary, the available evidence is currently insufficient to determine the role of this variant in disease. Therefore, it has been classified as a Variant of Uncertain Significance.